The following is an entry in ClinVar:

NM_003718.5(CDK13):c.2354-1G>A

Gene: CDK13 (cyclin dependent kinase 13; plus strand). Cytogenetic location: 7p14.1.
Variant type: single nucleotide variant.
Coding change: c.2354-1G>A on transcript NM_003718.5 (MANE Select); the canonical splice acceptor site of the intron before coding-DNA position 2354, G replaced by A.
Molecular consequence: splice acceptor variant.
Genome position (GRCh38, 1-based): chr7:40,045,835, G>A. VCF-style: chr7-40045835-G-A. GRCh37 (hg19) VCF-style: chr7-40085434-G-A.
Other names: c.2354-1G>A (NM_031267.3).
Identifiers: ClinVar variation 3907041 (VCV003907041.1).

ClinVar aggregate classification (germline): Likely pathogenic (1 of 4 stars; one submission).

Conditions:
Congenital heart defects, dysmorphic facial features, and intellectual developmental disorder (CHDFIDD). Identifiers: Orphanet 646278, MedGen C4479246, MONDO:0044302, OMIM 617360.

Submission:

Women's Health and Genetics/Laboratory Corporation of America, LabCorp
Classification: Likely pathogenic for Congenital heart defects, dysmorphic facial features, and intellectual developmental disorder. Last evaluated: 2025-06-17. Review status: criteria provided, single submitter. Criteria: LabCorp Variant Classification Summary - May 2015. Collection method: clinical testing. Allele origin: germline.
Comment: Variant summary: CDK13 c.2354-1G>A is located in a canonical splice-site and is predicted to affect mRNA splicing resulting in a significantly altered protein due to either exon skipping, shortening, or inclusion of intronic material. Variants that disrupt the consensus splice site are a relatively common cause of aberrant splicing and loss of CDK13 function. Several computational tools predict a significant impact on normal splicing: Four predict the variant abolishes a 3' acceptor site. Two predict the variant creates a cryptic 3' acceptor site. However, these predictions have yet to be confirmed by functional studies. The variant was absent in 245576 control chromosomes. To our knowledge, no occurrence of c.2354-1G>A in individuals affected with Congenital Heart Defects, Dysmorphic Facial Features, And Intellectual Developmental Disorder and no experimental evidence demonstrating its impact on protein function have been reported. No submitters have cited clinical-significance assessments for this variant to ClinVar. Based on the evidence outlined above, the variant was classified as likely pathogenic.